The following is an entry in ClinVar:

ClinVar aggregate classification (germline): Uncertain significance (1 of 4 stars; one submission).

Conditions:
Carnitine palmitoyl transferase 1A deficiency. Also called: CPT I DEFICIENCY; CPT DEFICIENCY, HEPATIC, TYPE I; Carnitine palmitoyltransferase type I deficiency; Carnitine palmitoyltransferase 1A deficiency; CPT deficiency, hepatic, type IA. Identifiers: Orphanet 156, MedGen C1829703, MONDO:0009705, OMIM 255120.

Allele frequency attached by ClinVar (database versions not stated): TOPMed below 0.00001.

Submission:

Labcorp Genetics (formerly Invitae), Labcorp
Classification: Uncertain significance for Carnitine palmitoyl transferase 1A deficiency. Last evaluated: 2023-01-31. Review status: criteria provided, single submitter. Criteria: Invitae Variant Classification Sherloc (09022015). Collection method: clinical testing. Allele origin: germline.
Comment: This variant has not been reported in the literature in individuals affected with CPT1A-related conditions. This sequence change replaces aspartic acid, which is acidic and polar, with histidine, which is basic and polar, at codon 492 of the CPT1A protein (p.Asp492His). This variant is present in population databases (no rsID available, gnomAD 0.0009%). Advanced modeling of protein sequence and biophysical properties (such as structural, functional, and spatial information, amino acid conservation, physicochemical variation, residue mobility, and thermodynamic stability) performed at Invitae indicates that this missense variant is expected to disrupt CPT1A protein function. Algorithms developed to predict the effect of sequence changes on RNA splicing suggest that this variant may create or strengthen a splice site. In summary, the available evidence is currently insufficient to determine the role of this variant in disease. Therefore, it has been classified as a Variant of Uncertain Significance.

NM_001876.4(CPT1A):c.1474G>C (p.Asp492His)

Gene: CPT1A (carnitine palmitoyltransferase 1A; minus strand). Cytogenetic location: 11q13.3.
Variant type: single nucleotide variant.
Coding change: c.1474G>C on transcript NM_001876.4 (MANE Select); coding-DNA position 1474, G replaced by C.
Protein change: p.Asp492His; replaces aspartic acid 492 with histidine.
Molecular consequence: missense variant.
Genome position (GRCh38, 1-based): chr11:68,775,417, C>G on the plus strand (G>C on the coding strand, the complement: CPT1A is on the minus strand). VCF-style: chr11-68775417-C-G. GRCh37 (hg19) VCF-style: chr11-68542885-C-G.
Other names: c.1474G>C, p.Asp492His (NM_001031847.3); short protein forms D492H.
Identifiers: ClinVar variation 2172590 (VCV002172590.4), dbSNP rs1268375010, ClinGen allele CA381630063.